The following is an entry in ClinVar:

NM_015480.3(NECTIN3):c.1161G>A (p.Leu387=)

Gene: NECTIN3 (nectin cell adhesion molecule 3; plus strand). Cytogenetic location: 3q13.13.
Variant type: single nucleotide variant.
Coding change: c.1161G>A on transcript NM_015480.3 (MANE Select); coding-DNA position 1161, G replaced by A.
Protein change: p.Leu387=; no amino-acid change (leucine 387 retained).
Molecular consequence: synonymous variant. On other transcripts: 3 prime UTR variant (1), intron variant (1).
Genome position (GRCh38, 1-based): chr3:111,133,726, G>A. VCF-style: chr3-111133726-G-A. GRCh37 (hg19) VCF-style: chr3-110852573-G-A.
Other names: c.*34G>A (NM_001243286.2); c.1000+7391G>A (NM_001243288.2).
Identifiers: ClinVar variation 3035283 (VCV003035283.2), dbSNP rs146315231, ClinGen allele CA2533910.

ClinVar aggregate classification (germline): Likely benign (0 of 4 stars; one submission).

Conditions:
NECTIN3-related disorder. Also called: NECTIN3-related condition.

Allele frequency attached by ClinVar (database versions not stated): gnomAD exomes 0.00003; ExAC 0.00005; ESP Exome Variant Server 0.00015; gnomAD 0.00026; TOPMed 0.00034.

Submission:

PreventionGenetics, part of Exact Sciences
Classification: Likely benign for NECTIN3-related condition. Last evaluated: 2019-07-31. Review status: no assertion criteria provided. Collection method: clinical testing. Allele origin: germline.
Comment: This variant is classified as likely benign based on ACMG/AMP sequence variant interpretation guidelines (Richards et al. 2015 PMID: 25741868, with internal and published modifications).